The following is an entry in ClinVar:

NC_000009.11:g.(?_2696223)_(2718472_?)del

Gene: KCNV2 (potassium voltage-gated channel modifier subfamily V member 2; plus strand). Cytogenetic location: 9p24.2.
Variant type: Deletion.
Identifiers: ClinVar variation 3245389 (VCV003245389.1).

ClinVar aggregate classification (germline): Pathogenic (1 of 4 stars; one submission).

Submission:

Labcorp Genetics (formerly Invitae), Labcorp
Classification: Pathogenic. Last evaluated: 2019-09-15. Review status: criteria provided, single submitter. Criteria: Invitae Variant Classification Sherloc (09022015). Collection method: clinical testing. Allele origin: unknown.
Comment: For these reasons, this variant has been classified as Pathogenic. Loss-of-function variants in KCNV2 are known to be pathogenic (PMID: 16909397, 18235024). This variant has not been reported in the literature in individuals with KCNV2-related conditions. This sequence change is a complex rearrangement involving partial deletion of exon 1 and the presence of inverted sequence from intron 1. Although the exact nature of the event is unknown, it is expected to result in an absent or disrupted protein product.

Literature cited by the submitters: PubMed 16909397; PubMed 18235024.